The following is an entry in ClinVar:

NM_000038.6(APC):c.1434A>T (p.Leu478Phe)

Gene: APC (APC regulator of Wnt signaling pathway; plus strand). Cytogenetic location: 5q22.2.
Variant type: single nucleotide variant.
Coding change: c.1434A>T on transcript NM_000038.6 (MANE Select); coding-DNA position 1434, A replaced by T.
Protein change: p.Leu478Phe; replaces leucine 478 with phenylalanine.
Molecular consequence: missense variant.
Genome position (GRCh38, 1-based): chr5:112,827,133, A>T. VCF-style: chr5-112827133-A-T. GRCh37 (hg19) VCF-style: chr5-112162830-A-T.
Other names: c.1434A>T, p.Leu478Phe (NM_001127510.3, NM_001354895.2, NM_001407450.1); c.1380A>T, p.Leu460Phe (NM_001127511.3); c.1488A>T, p.Leu496Phe (NM_001354896.2, NM_001407447.1, NM_001407448.1 and 1 more transcripts); c.1464A>T, p.Leu488Phe (NM_001354897.2); c.1359A>T, p.Leu453Phe (NM_001354898.2); c.1350A>T, p.Leu450Phe (NM_001354899.2); c.1311A>T, p.Leu437Phe (NM_001354900.2); c.1257A>T, p.Leu419Phe (NM_001354901.2, NM_001407453.1); and 11 more; short protein forms L195F, L318F, L349F, L352F, L377F, L387F, L395F, L419F.
Identifiers: ClinVar variation 4801444 (VCV004801444.1).
Genomic context (GRCh38, chr5:112,827,133, plus strand): 5'-TGATTGTCTTTTTCCTCTTGCCCTTTTTAAATTAGGGGGACTACAGGCCATTGCAGAATT[A>T]TTGCAAGTGGACTGTGAAATGTATGGGCTTACTAATGACCACTACAGTATTACACTAAGA-3'
Protein context (NP_000029.2, residues 468-488): ELGGLQAIAE[Leu478Phe]LQVDCEMYGL

ClinVar aggregate classification (germline): Uncertain significance (1 of 4 stars; one submission).

Conditions:
Familial adenomatous polyposis 1 (FAP1). Also called: FAMILIAL ADENOMATOUS POLYPOSIS 1, ATTENUATED; POLYPOSIS, ADENOMATOUS INTESTINAL. Identifiers: MedGen C2713442, MONDO:0021056, OMIM 175100. Disease mechanism: loss of function.

Submission:

Labcorp Genetics (formerly Invitae), Labcorp
Classification: Uncertain significance for Familial adenomatous polyposis 1. Last evaluated: 2025-02-04. Review status: criteria provided, single submitter. Criteria: Invitae Variant Classification Sherloc (09022015). Collection method: clinical testing. Allele origin: germline.
Comment: This sequence change replaces leucine, which is neutral and non-polar, with phenylalanine, which is neutral and non-polar, at codon 478 of the APC protein (p.Leu478Phe). This variant is not present in population databases (gnomAD no frequency). This variant has not been reported in the literature in individuals affected with APC-related conditions. Invitae Evidence Modeling of protein sequence and biophysical properties (such as structural, functional, and spatial information, amino acid conservation, physicochemical variation, residue mobility, and thermodynamic stability) indicates that this missense variant is not expected to disrupt APC protein function with a negative predictive value of 95%. In summary, the available evidence is currently insufficient to determine the role of this variant in disease. Therefore, it has been classified as a Variant of Uncertain Significance.